The following is an entry in ClinVar:

NM_000038.6(APC):c.4691T>A (p.Leu1564Ter)

Gene: APC (APC regulator of Wnt signaling pathway; plus strand). Cytogenetic location: 5q22.2.
Variant type: single nucleotide variant.
Coding change: c.4691T>A on transcript NM_000038.6 (MANE Select); coding-DNA position 4691, T replaced by A.
Protein change: p.Leu1564Ter; replaces leucine 1564 with a stop codon.
Molecular consequence: nonsense. On other transcripts: non-coding transcript variant (2).
Genome position (GRCh38, 1-based): chr5:112,840,285, T>A. VCF-style: chr5-112840285-T-A. GRCh37 (hg19) VCF-style: chr5-112175982-T-A.
Other names: c.4691T>A, p.Leu1564Ter (NM_001127510.3, NM_001354895.2, NM_001407450.1); c.4637T>A, p.Leu1546Ter (NM_001127511.3); c.4745T>A, p.Leu1582Ter (NM_001354896.2, NM_001407447.1, NM_001407448.1 and 1 more transcripts); c.4721T>A, p.Leu1574Ter (NM_001354897.2); c.4616T>A, p.Leu1539Ter (NM_001354898.2); c.4607T>A, p.Leu1536Ter (NM_001354899.2); c.4568T>A, p.Leu1523Ter (NM_001354900.2); c.4514T>A, p.Leu1505Ter (NM_001354901.2, NM_001407453.1); and 11 more; short protein forms L1180*, L1281*, L1404*, L1435*, L1438*, L1463*, L1473*, L1481*.
Identifiers: ClinVar variation 2583431 (VCV002583431.1), dbSNP rs2149921292, ClinGen allele CA16031614.

ClinVar aggregate classification (germline): Pathogenic (1 of 4 stars; one submission).

Conditions:
Familial adenomatous polyposis 1 (FAP1). Also called: POLYPOSIS, ADENOMATOUS INTESTINAL; FAMILIAL ADENOMATOUS POLYPOSIS 1, ATTENUATED. Identifiers: MedGen C2713442, MONDO:0021056, OMIM 175100. Disease mechanism: loss of function.

Submission:

Myriad Genetics, Inc.
Classification: Pathogenic for Familial adenomatous polyposis 1. Last evaluated: 2023-05-11. Review status: criteria provided, single submitter. Criteria: Myriad Autosomal Dominant, Autosomal Recessive and X-Linked Classification Criteria (2023). Collection method: clinical testing. Allele origin: unknown.
Comment: This variant is considered pathogenic. This variant creates a termination codon and is predicted to result in premature protein truncation.